The following is an entry in ClinVar:

NM_004064.5(CDKN1B):c.382A>G (p.Thr128Ala)

Gene: CDKN1B (cyclin dependent kinase inhibitor 1B; plus strand). Cytogenetic location: 12p13.1.
Variant type: single nucleotide variant.
Coding change: c.382A>G on transcript NM_004064.5 (MANE Select); coding-DNA position 382, A replaced by G.
Protein change: p.Thr128Ala; replaces threonine 128 with alanine.
Molecular consequence: missense variant.
Genome position (GRCh38, 1-based): chr12:12,718,221, A>G. VCF-style: chr12-12718221-A-G. GRCh37 (hg19) VCF-style: chr12-12871155-A-G.
Other names: c.382A>G (NM_004064.3); short protein forms T128A.
Identifiers: ClinVar variation 1714891 (VCV001714891.6), dbSNP rs2136356353, ClinGen allele CA383970538.

ClinVar aggregate classification (germline): Conflicting classifications of pathogenicity. Review status: criteria provided, conflicting classifications (1 of 4 stars). 2 submissions from 2 submitters: Uncertain significance (1); Likely benign (1). Last evaluated 2026-02-11.

Conditions:
Hereditary cancer-predisposing syndrome. Also called: Tumor predisposition; Hereditary Cancer Syndrome; Hereditary neoplastic syndrome; Neoplastic Syndromes, Hereditary. Identifiers: Orphanet 140162, MedGen C0027672, MeSH D009386, MONDO:0015356.
Multiple endocrine neoplasia type 4. Also called: MULTIPLE ENDOCRINE NEOPLASIA, TYPE IV. Identifiers: Orphanet 276152, MedGen C1970712, MONDO:0012552, OMIM 610755.

Submissions (2):

Ambry Genetics
Classification: Likely benign for Hereditary cancer-predisposing syndrome. Last evaluated: 2026-02-11. Review status: criteria provided, single submitter. Criteria: Ambry Variant Classification Scheme 2023. Collection method: clinical testing. Allele origin: germline.

Labcorp Genetics (formerly Invitae), Labcorp
Classification: Uncertain significance for Multiple endocrine neoplasia type 4. Last evaluated: 2025-10-13. Review status: criteria provided, single submitter. Criteria: Invitae Variant Classification Sherloc (09022015). Collection method: clinical testing. Allele origin: germline.
Comment: This sequence change replaces threonine, which is neutral and polar, with alanine, which is neutral and non-polar, at codon 128 of the CDKN1B protein (p.Thr128Ala). This variant is not present in population databases (gnomAD no frequency). This variant has not been reported in the literature in individuals affected with CDKN1B-related conditions. ClinVar contains an entry for this variant (Variation ID: 1714891). An algorithm developed to predict the effect of missense changes on protein structure and function outputs the following: PolyPhen-2: "Benign". The alanine amino acid residue is found in multiple mammalian species, which suggests that this missense change does not adversely affect protein function. In summary, the available evidence is currently insufficient to determine the role of this variant in disease. Therefore, it has been classified as a Variant of Uncertain Significance.